The following is an entry in ClinVar:

ClinVar aggregate classification (germline): Conflicting classifications of pathogenicity. Review status: criteria provided, conflicting classifications (1 of 4 stars). 13 submissions from 13 submitters: Uncertain significance (2); Benign (2); Likely benign (7). 2 of the submissions do not count toward it. Last evaluated 2026-02-01.

Conditions:
Inborn genetic diseases. Identifiers: MedGen C0950123, MeSH D030342.
Neuropathy, hereditary sensory, type 2C. Also called: Hereditary sensory and autonomic neuropathy type IIC; KIF1A-Related HSAN2 (HSAN2C). Identifiers: Orphanet 970, MedGen C3280168, MONDO:0013634, OMIM 614213.
Hereditary spastic paraplegia 30. Identifiers: Orphanet 101010, MedGen C5235139, MONDO:0012476.
Intellectual disability, autosomal dominant 9 (NESCAVS). Also called: NESCAV SYNDROME; KIF1A-Related Neurodevelopmental Disorder. Identifiers: Orphanet 662367, MedGen C5393830, MONDO:0013656, OMIM 614255.
Hereditary spastic paraplegia. Also called: Familial spastic paraparesis. Identifiers: Orphanet 685, MedGen C0037773, MONDO:0019064. Disease mechanism: loss of function.

Allele frequency attached by ClinVar (database versions not stated): 1000 Genomes Project 0.00020; 1000 Genomes Project 30x 0.00047; TOPMed 0.00080; gnomAD exomes 0.00083; ExAC 0.00092; gnomAD 0.00104 and 0.00105; ESP Exome Variant Server 0.00124.

Submissions (13):

Labcorp Genetics (formerly Invitae), Labcorp
Classification: Likely benign for Hereditary spastic paraplegia 30; Neuropathy, hereditary sensory, type 2C; Intellectual disability, autosomal dominant 9. Last evaluated: 2026-02-01. Review status: criteria provided, single submitter. Criteria: Invitae Variant Classification Sherloc (09022015). Collection method: clinical testing. Allele origin: germline.

CeGaT Center for Human Genetics Tuebingen
Classification: Likely benign. Last evaluated: 2025-12-01. Review status: criteria provided, single submitter. Criteria: CeGaT Center For Human Genetics Tuebingen Variant Classification Criteria Version 2. Collection method: clinical testing. Allele origin: germline. Affected: yes. Observed: 9 variant alleles.
Comment: KIF1A: BP4, BP7

Laboratory of Genetics, Children's Clinical University Hospital Latvia
Classification: Benign. Last evaluated: 2025-02-16. Review status: criteria provided, single submitter. Criteria: ACMG Guidelines, 2015. Collection method: clinical testing. Allele origin: germline. Affected: yes.

Mayo Clinic Laboratories, Mayo Clinic
Classification: Likely benign. Last evaluated: 2024-12-04. Review status: criteria provided, single submitter. Criteria: ACMG Guidelines, 2015. Collection method: clinical testing. Allele origin: germline. Observed: 6 variant alleles.

Blueprint Genetics
Classification: Likely benign. Last evaluated: 2024-11-26. Review status: criteria provided, single submitter. Criteria: ACMG Guidelines, 2015. Collection method: clinical testing. Allele origin: germline.

Genome Diagnostics Laboratory, The Hospital for Sick Children
Classification: Likely benign for Hereditary spastic paraplegia. Last evaluated: 2020-09-24. Review status: criteria provided, single submitter. Criteria: ACMG Guidelines, 2015. Collection method: clinical testing. Allele origin: germline. Affected: yes.

Athena Diagnostics
Classification: Likely benign. Last evaluated: 2018-10-31. Review status: criteria provided, single submitter. Criteria: Athena Diagnostics Criteria. Collection method: clinical testing. Allele origin: germline.

Illumina Laboratory Services, Illumina
Classification: Uncertain significance for Spastic paraplegia 30A, autosomal dominant. Last evaluated: 2018-01-12. Review status: criteria provided, single submitter. Criteria: ICSL Variant Classification Criteria 13 December 2019. Collection method: clinical testing. Allele origin: germline.

Ambry Genetics
Classification: Likely benign for Inborn genetic diseases. Last evaluated: 2017-07-27. Review status: criteria provided, single submitter. Criteria: Ambry Variant Classification Scheme 2023. Collection method: clinical testing. Allele origin: germline.

Genetic Services Laboratory, University of Chicago
Classification: Uncertain significance. Last evaluated: 2015-04-23. Review status: criteria provided, single submitter. Criteria: ACMG Guidelines, 2015. Collection method: clinical testing. Allele origin: germline.

GeneDx
Classification: Benign. Last evaluated: 2015-03-03. Review status: criteria provided, single submitter. Criteria: GeneDx Variant Classification Process June 2021. Collection method: clinical testing. Allele origin: germline. Affected: yes.

Clinical Genetics DNA and cytogenetics Diagnostics Lab, Erasmus MC, Erasmus Medical Center
Classification: Likely benign. Review status: no assertion criteria provided. Collection method: clinical testing. Allele origin: germline. Affected: yes. Study: VKGL Data-share Consensus. Not counted in ClinVar's aggregate classification.

Clinical Genetics, Academic Medical Center
Classification: Likely benign. Review status: no assertion criteria provided. Collection method: clinical testing. Allele origin: germline. Affected: yes. Study: VKGL Data-share Consensus. Not counted in ClinVar's aggregate classification.

Literature cited by the submitters: PubMed 27681307 (cited by Athena Diagnostics).

NM_001244008.2(KIF1A):c.3246C>T (p.Ala1082=)

Gene: KIF1A (kinesin family member 1A; minus strand). Cytogenetic location: 2q37.3.
Variant type: single nucleotide variant.
Coding change: c.3246C>T on transcript NM_001244008.2 (MANE Select); coding-DNA position 3246, C replaced by T.
Protein change: p.Ala1082=; no amino-acid change (alanine 1082 retained).
Molecular consequence: synonymous variant.
Genome position (GRCh38, 1-based): chr2:240,745,866, G>A on the plus strand (C>T on the coding strand, the complement: KIF1A is on the minus strand). VCF-style: chr2-240745866-G-A. GRCh37 (hg19) VCF-style: chr2-241685283-G-A.
Other names: p.Ala981=; c.2970C>T, p.Ala990= (NM_001320705.2, NM_001330289.2, NM_001379638.1); c.3045C>T, p.Ala1015= (NM_001330290.2, NM_001379634.1, NM_001379635.1 and 1 more transcripts); c.3321C>T, p.Ala1107= (NM_001379631.1); c.3195C>T, p.Ala1065= (NM_001379632.1); c.3219C>T, p.Ala1073= (NM_001379633.1, NM_001379642.1, NM_001379645.1); c.2943C>T, p.Ala981= (NM_001379636.1, NM_001379639.1, NM_001379641.1 and 5 more transcripts); c.3018C>T, p.Ala1006= (NM_001379637.1, NM_001379648.1); and 2 more.
Identifiers: ClinVar variation 211283 (VCV000211283.68), dbSNP rs368682964, ClinGen allele CA206964.
Genomic context (GRCh38, chr2:240,745,866, plus strand): 5'-GGTGAAGGTGTTGCCCAGGCGGAGGTGGTCCAGGGCAGCATCCAGGGGCCCATCCAGGGC[G>A]GCTTTCTCAGAGCTGTCTAGGAGGAGGCCTTCTGGGGGCACTGCTGCTGGGAGTCAAGGA-3'
Protein context (NP_001230937.1, residues 1072-1092): EGLLLDSSEK[Ala1082=]ALDGPLDAAL